The following is an entry in ClinVar:

ClinVar aggregate classification (germline): Uncertain significance. Review status: criteria provided, multiple submitters, no conflicts (2 of 4 stars). 2 submissions from 2 submitters: Uncertain significance (2). Last evaluated 2025-08-20.

Conditions:
Inborn genetic diseases. Identifiers: MedGen C0950123, MeSH D030342.

Allele frequency attached by ClinVar (database versions not stated): gnomAD exomes 0.00001; ExAC 0.00002; gnomAD 0.00003; TOPMed 0.00003.
gnomAD v4.1: 15 of 1,614,148 alleles (0.00093%); highest among the groups gnomAD compares: South Asian, 0.0066%; no homozygotes.

Submissions (2):

Ambry Genetics
Classification: Uncertain significance for Inborn genetic diseases. Last evaluated: 2025-08-20. Review status: criteria provided, single submitter. Criteria: Ambry Variant Classification Scheme 2023. Collection method: clinical testing. Allele origin: germline.

Labcorp Genetics (formerly Invitae), Labcorp
Classification: Uncertain significance. Last evaluated: 2025-03-17. Review status: criteria provided, single submitter. Criteria: Invitae Variant Classification Sherloc (09022015). Collection method: clinical testing. Allele origin: germline.
Comment: This sequence change replaces isoleucine, which is neutral and non-polar, with valine, which is neutral and non-polar, at codon 199 of the MYH3 protein (p.Ile199Val). This variant is present in population databases (rs779388217, gnomAD 0.01%). This variant has not been reported in the literature in individuals affected with MYH3-related conditions. ClinVar contains an entry for this variant (Variation ID: 1910354). Invitae Evidence Modeling of protein sequence and biophysical properties (such as structural, functional, and spatial information, amino acid conservation, physicochemical variation, residue mobility, and thermodynamic stability) indicates that this missense variant is not expected to disrupt MYH3 protein function with a negative predictive value of 95%. In summary, the available evidence is currently insufficient to determine the role of this variant in disease. Therefore, it has been classified as a Variant of Uncertain Significance.

NM_002470.4(MYH3):c.595A>G (p.Ile199Val)

Gene: MYH3 (myosin heavy chain 3; minus strand). Cytogenetic location: 17p13.1.
Variant type: single nucleotide variant.
Coding change: c.595A>G on transcript NM_002470.4 (MANE Select); coding-DNA position 595, A replaced by G.
Protein change: p.Ile199Val; replaces isoleucine 199 with valine.
Molecular consequence: missense variant.
Genome position (GRCh38, 1-based): chr17:10,649,624, T>C on the plus strand (A>G on the coding strand, the complement: MYH3 is on the minus strand). VCF-style: chr17-10649624-T-C. GRCh37 (hg19) VCF-style: chr17-10552941-T-C.
Other names: c.595A>G (NM_002470.3); short protein forms I199V.
Identifiers: ClinVar variation 1910354 (VCV001910354.6), dbSNP rs779388217, ClinGen allele CA8393216.